The following is an entry in ClinVar:

ClinVar aggregate classification (germline): Uncertain significance (1 of 4 stars; one submission).

Allele frequency attached by ClinVar (database versions not stated): gnomAD exomes below 0.00001.
gnomAD v4.1: 2 of 1,612,902 alleles (0.00012%); highest among the groups gnomAD compares: Non-Finnish European, 0.00017%; no homozygotes.

Submission:

Labcorp Genetics (formerly Invitae), Labcorp
Classification: Uncertain significance. Last evaluated: 2022-08-23. Review status: criteria provided, single submitter. Criteria: Invitae Variant Classification Sherloc (09022015). Collection method: clinical testing. Allele origin: germline.
Comment: This sequence change replaces alanine, which is neutral and non-polar, with valine, which is neutral and non-polar, at codon 180 of the LTBP4 protein (p.Ala180Val). This variant is not present in population databases (gnomAD no frequency). This variant has not been reported in the literature in individuals affected with LTBP4-related conditions. Experimental studies and prediction algorithms are not available or were not evaluated, and the functional significance of this variant is currently unknown. In summary, the available evidence is currently insufficient to determine the role of this variant in disease. Therefore, it has been classified as a Variant of Uncertain Significance.

NM_001042545.2(LTBP4):c.449C>T (p.Ala150Val)

Gene: LTBP4 (latent transforming growth factor beta binding protein 4; plus strand). Cytogenetic location: 19q13.2.
Variant type: single nucleotide variant.
Coding change: c.449C>T on transcript NM_001042545.2 (MANE Select); coding-DNA position 449, C replaced by T.
Protein change: p.Ala150Val; replaces alanine 150 with valine.
Molecular consequence: missense variant.
Genome position (GRCh38, 1-based): chr19:40,605,411, C>T. VCF-style: chr19-40605411-C-T. GRCh37 (hg19) VCF-style: chr19-41111317-C-T.
Other names: c.650C>T, p.Ala217Val (NM_001042544.1); c.539C>T, p.Ala180Val (NM_003573.2); short protein forms A180V, A217V, A150V.
Identifiers: ClinVar variation 2100039 (VCV002100039.1), dbSNP rs2515344317, ClinGen allele CA405933079.
Genomic context (GRCh38, chr19:40,605,411, plus strand): 5'-CCACCCCGTAAGAACCCGTGTAGACATCCGTTTGCCCGGCCGTGCCTCCCCTAGGCGTGG[C>T]ATCTATGGTGAGCGTCCACGTGGAGCACCCGCAGGAGGCGTCGGTGGTGGTGCACCAGGT-3'
Protein context (NP_001036010.1, residues 140-160): ANHRDDEHGV[Ala150Val]SMVSVHVEHP